The following is an entry in ClinVar:

NM_021926.4(ALX4):c.949C>T (p.Pro317Ser)

Gene: ALX4 (ALX homeobox 4; minus strand). Cytogenetic location: 11p11.2.
Variant type: single nucleotide variant.
Coding change: c.949C>T on transcript NM_021926.4 (MANE Select); coding-DNA position 949, C replaced by T.
Protein change: p.Pro317Ser; replaces proline 317 with serine.
Molecular consequence: missense variant.
Genome position (GRCh38, 1-based): chr11:44,265,141, G>A on the plus strand (C>T on the coding strand, the complement: ALX4 is on the minus strand). VCF-style: chr11-44265141-G-A. GRCh37 (hg19) VCF-style: chr11-44286691-G-A.
Other names: short protein forms P317S.
Identifiers: ClinVar variation 4887683 (VCV004887683.1).
Genomic context (GRCh38, chr11:44,265,141, plus strand): 5'-GGGCATGAGGGGACATGCAGGCAGGCACCGGGTCGCAGGGGACCACGCAGGCTGGCACTG[G>A]TGAGGCAGCCCCGTTGTTGCCGAGCCAGGACGGGTTCTGAATCTGGGAGAGGAAGGGAGA-3'
Protein context (NP_068745.2, residues 307-327): SWLGNNGAAS[Pro317Ser]VPACVVPCDP

ClinVar aggregate classification (germline): Uncertain significance (1 of 4 stars; one submission).

gnomAD v4.1: 1 of 1,607,746 alleles (0.000062%); highest among the groups gnomAD compares: Non-Finnish European, 0.000085%; no homozygotes.

Submission:

Women's Health and Genetics/Laboratory Corporation of America, LabCorp
Classification: Uncertain significance. Last evaluated: 2026-06-25. Review status: criteria provided, single submitter. Criteria: LabCorp Variant Classification Summary - May 2015. Collection method: clinical testing. Allele origin: germline.
Comment: Variant summary: ALX4 c.949C>T (p.Pro317Ser) results in a non-conservative amino acid change in the encoded protein sequence. Algorithms developed to predict the effect of missense changes on protein structure and function all suggest that this variant is likely to be disruptive. The variant allele was found at a frequency of 4.1e-06 in 242560 control chromosomes. The available data on variant occurrences in the general population are insufficient to allow any conclusion about variant significance. To our knowledge, no occurrence of c.949C>T in individuals affected with ALX4-related conditions and no experimental evidence demonstrating its impact on protein function have been reported. No submitters have cited clinical-significance assessments for this variant to ClinVar. Based on the evidence outlined above, the variant was classified as uncertain significance.